The following is an entry in ClinVar:

NM_001009944.3(PKD1):c.3001C>G (p.His1001Asp)

Gene: PKD1 (polycystin 1, transient receptor potential channel interacting; minus strand). Cytogenetic location: 16p13.3.
Variant type: single nucleotide variant.
Coding change: c.3001C>G on transcript NM_001009944.3 (MANE Select); coding-DNA position 3001, C replaced by G.
Protein change: p.His1001Asp; replaces histidine 1001 with aspartic acid.
Molecular consequence: missense variant.
Genome position (GRCh38, 1-based): chr16:2,112,948, G>C on the plus strand (C>G on the coding strand, the complement: PKD1 is on the minus strand). VCF-style: chr16-2112948-G-C. GRCh37 (hg19) VCF-style: chr16-2162949-G-C.
Other names: c.3001C>G, p.His1001Asp (NM_000296.4); short protein forms H1001D.
Identifiers: ClinVar variation 5005538 (VCV005005538.2).

ClinVar aggregate classification (germline): Uncertain significance (1 of 4 stars; one submission).

Conditions:
Polycystic kidney disease, adult type (PKD1). Also called: POLYCYSTIC KIDNEY DISEASE, ADULT, TYPE I; Polycystic Kidney, Autosomal Dominant; Polycystic Kidney Disease 1, Autosomal Dominant; Polycystic kidney disease 1; Polycystic kidney disease 1, severe; POLYCYSTIC KIDNEY DISEASE 1 WITH OR WITHOUT POLYCYSTIC LIVER DISEASE. Identifiers: MedGen C3149841, MONDO:0008263, OMIM 173900.

gnomAD v4.1: 3 of 1,601,220 alleles (0.00019%); highest among the groups gnomAD compares: East Asian, 0.0067%; no homozygotes.

Submission:

Juno Genomics, Hangzhou Juno Genomics, Inc
Classification: Uncertain significance for Polycystic kidney disease, adult type. Review status: criteria provided, single submitter. Criteria: ACMG Guidelines, 2015. Collection method: clinical testing. Allele origin: germline.
Comment: Absent from controls (or at extremely low frequency if recessive) in Genome Aggregation Database.;Patient's phenotype or family history is highly specific for a disease with a single genetic etiology.